The following is an entry in ClinVar:

ClinVar aggregate classification (germline): Pathogenic (1 of 4 stars; one submission).

Submission:

Labcorp Genetics (formerly Invitae), Labcorp
Classification: Pathogenic. Last evaluated: 2022-11-05. Review status: criteria provided, single submitter. Criteria: Invitae Variant Classification Sherloc (09022015). Collection method: clinical testing. Allele origin: germline.
Comment: This variant is not present in population databases (gnomAD no frequency). This variant has not been reported in the literature in individuals affected with GLE1-related conditions. For these reasons, this variant has been classified as Pathogenic. This sequence change creates a premature translational stop signal (p.Met40Leufs*13) in the GLE1 gene. It is expected to result in an absent or disrupted protein product. Loss-of-function variants in GLE1 are known to be pathogenic (PMID: 18204449, 24243016, 27684565).

Literature cited by the submitters: PubMed 18204449; PubMed 24243016; PubMed 27684565.

NM_001003722.2(GLE1):c.118_121del (p.Met40fs)

Gene: GLE1 (GLE1 RNA export mediator; plus strand). Cytogenetic location: 9q34.11.
Variant type: Microsatellite.
Coding change: c.118_121del on transcript NM_001003722.2 (MANE Select); coding-DNA positions 118 to 121, 4 bases deleted (ATGT; older notation c.118_121delATGT).
Protein change: p.Met40fs; shifts the reading frame from methionine 40.
Molecular consequence: frameshift variant.
Genome position (GRCh38, 1-based): chr9:128,508,894-128,508,897, ATGT deleted; deleting any 4 consecutive bases within chr9:128,508,890-128,508,897 gives the same sequence; the c. name uses the placement nearest the transcript's 3' end. VCF-style (leftmost placement, unchanged base first): chr9-128508889-AATGT-A. GRCh37 (hg19) VCF-style: chr9-131271168-AATGT-A.
Other names: c.118_121del, p.Met40fs (NM_001411013.1, NM_001499.2); short protein forms M40fs.
Identifiers: ClinVar variation 2981289 (VCV002981289.3), dbSNP rs1306403056, ClinGen allele CA860269042.